The following is an entry in ClinVar:

NM_020778.5(ALPK3):c.2582G>A (p.Ser861Asn)

Gene: ALPK3 (alpha kinase 3; plus strand). Cytogenetic location: 15q25.3.
Variant type: single nucleotide variant.
Coding change: c.2582G>A on transcript NM_020778.5 (MANE Select); coding-DNA position 2582, G replaced by A.
Protein change: p.Ser861Asn; replaces serine 861 with asparagine.
Molecular consequence: missense variant.
Genome position (GRCh38, 1-based): chr15:84,857,320, G>A. VCF-style: chr15-84857320-G-A. GRCh37 (hg19) VCF-style: chr15-85400551-G-A.
Other names: c.3188G>A (NM_020778.4); short protein forms S861N.
Identifiers: ClinVar variation 2177023 (VCV002177023.5), dbSNP rs887529529, ClinGen allele CA273624481.
Genomic context (GRCh38, chr15:84,857,320, plus strand): 5'-AGGAGCGGCCAGGGGGAGTGCCGTGTATGGATCAGGGTGGCTGTCCTCTAGCTGGCCTGA[G>A]CCAGGAGGTACCCACGATGCCTTCTCTTCCTGGAACTGGGCTGACAGCTAGCCCAAAGGC-3'
Protein context (NP_065829.4, residues 851-871): DQGGCPLAGL[Ser861Asn]QEVPTMPSLP

ClinVar aggregate classification (germline): Uncertain significance. Review status: criteria provided, multiple submitters, no conflicts (2 of 4 stars). 2 submissions from 2 submitters: Uncertain significance (2). Last evaluated 2025-08-17.

Conditions:
Cardiovascular phenotype. Identifiers: MedGen CN230736.

Allele frequency attached by ClinVar (database versions not stated): gnomAD 0.00001; TOPMed 0.00002; gnomAD exomes 0.00004.
gnomAD v4.1: 65 of 1,614,018 alleles (0.004%); highest among the groups gnomAD compares: Non-Finnish European, 0.0054%; no homozygotes.

Submissions (2):

Labcorp Genetics (formerly Invitae), Labcorp
Classification: Uncertain significance. Last evaluated: 2025-08-17. Review status: criteria provided, single submitter. Criteria: Invitae Variant Classification Sherloc (09022015). Collection method: clinical testing. Allele origin: germline.
Comment: This sequence change replaces serine, which is neutral and polar, with asparagine, which is neutral and polar, at codon 1063 of the ALPK3 protein (p.Ser1063Asn). This variant is present in population databases (no rsID available, gnomAD 0.003%). This variant has not been reported in the literature in individuals affected with ALPK3-related conditions. ClinVar contains an entry for this variant (Variation ID: 2177023). Invitae Evidence Modeling of protein sequence and biophysical properties (such as structural, functional, and spatial information, amino acid conservation, physicochemical variation, residue mobility, and thermodynamic stability) indicates that this missense variant is not expected to disrupt ALPK3 protein function with a negative predictive value of 80%. In summary, the available evidence is currently insufficient to determine the role of this variant in disease. Therefore, it has been classified as a Variant of Uncertain Significance.

Ambry Genetics
Classification: Uncertain significance for Cardiovascular phenotype. Last evaluated: 2024-10-07. Review status: criteria provided, single submitter. Criteria: Ambry Variant Classification Scheme 2023. Collection method: clinical testing. Allele origin: germline.
Comment: The p.S1063N variant (also known as c.3188G>A), located in coding exon 6 of the ALPK3 gene, results from a G to A substitution at nucleotide position 3188. The serine at codon 1063 is replaced by asparagine, an amino acid with highly similar properties. This amino acid position is conserved. In addition, this alteration is predicted to be tolerated by in silico analysis. Based on the available evidence, the clinical significance of this variant remains unclear.